The following is an entry in ClinVar:

NM_000135.4(FANCA):c.3240-3C>T

Gene: FANCA (FA complementation group A; minus strand). Cytogenetic location: 16q24.3.
Variant type: single nucleotide variant.
Coding change: c.3240-3C>T on transcript NM_000135.4 (MANE Select); 3 bases into the intron before coding-DNA position 3240, C replaced by T.
Molecular consequence: intron variant.
Genome position (GRCh38, 1-based): chr16:89,748,770, G>A on the plus strand (C>T on the coding strand, the complement: FANCA is on the minus strand). VCF-style: chr16-89748770-G-A. GRCh37 (hg19) VCF-style: chr16-89815178-G-A.
Other names: c.3240-3C>T (LRG_495t1, NM_001286167.3).
Identifiers: ClinVar variation 456111 (VCV000456111.7), dbSNP rs1315428324, ClinGen allele CA658656520.

ClinVar aggregate classification (germline): Uncertain significance. Review status: criteria provided, single submitter (1 of 4 stars). 2 submissions from 2 submitters: Uncertain significance (1). 1 of the submissions does not count toward it. Last evaluated 2021-08-31.

Conditions:
Fanconi anemia (FA). Also called: Fanconi's anemia. Identifiers: Orphanet 84, MedGen C0015625, MeSH D005199, MONDO:0019391.
Fanconi anemia complementation group A (FANCA). Also called: Fanconi anemia, group A; FANCA-Related Fanconi Anemia. Identifiers: Orphanet 84, MedGen C3469521, MONDO:0009215, OMIM 227650.

Allele frequency attached by ClinVar (database versions not stated): gnomAD exomes below 0.00001; TOPMed 0.00001.
gnomAD v4.1: 2 of 1,612,958 alleles (0.00012%); highest among the groups gnomAD compares: Non-Finnish European, 0.000085%; no homozygotes.

Submissions (2):

Labcorp Genetics (formerly Invitae), Labcorp
Classification: Uncertain significance for Fanconi anemia. Last evaluated: 2021-08-31. Review status: criteria provided, single submitter. Criteria: Invitae Variant Classification Sherloc (09022015). Collection method: clinical testing. Allele origin: germline.
Comment: This sequence change falls in intron 32 of the FANCA gene. It does not directly change the encoded amino acid sequence of the FANCA protein. It affects a nucleotide within the consensus splice site of the intron. This variant is not present in population databases (ExAC no frequency). This variant has not been reported in the literature in individuals affected with FANCA-related conditions. ClinVar contains an entry for this variant (Variation ID: 456111). Variants that disrupt the consensus splice site are a relatively common cause of aberrant splicing (PMID: 17576681, 9536098). Algorithms developed to predict the effect of sequence changes on RNA splicing suggest that this variant is not likely to affect RNA splicing. In summary, the available evidence is currently insufficient to determine the role of this variant in disease. Therefore, it has been classified as a Variant of Uncertain Significance.

Natera, Inc.
Classification: Uncertain significance for Fanconi anemia, group A. Last evaluated: 2020-09-16. Review status: no assertion criteria provided. Collection method: clinical testing. Allele origin: germline. Not counted in ClinVar's aggregate classification.

Literature cited by the submitters: PubMed 17576681 (cited by Labcorp Genetics (formerly Invitae), Labcorp); PubMed 9536098 (cited by Labcorp Genetics (formerly Invitae), Labcorp).